The following is an entry in ClinVar:

ClinVar aggregate classification (germline): Likely benign. Review status: reviewed by expert panel (3 of 4 stars). 2 submissions from 2 submitters: Likely benign (1). 1 of the submissions does not count toward it. Last evaluated 2022-02-11.

Conditions:
Overgrowth syndrome and/or cerebral malformations due to abnormalities in MTOR pathway genes. Identifiers: MedGen CN300503, MONDO:0100283.
Megalencephaly-polymicrogyria-postaxial polydactyly-hydrocephalus syndrome. Also called: MPPH Syndrome; MEG-PMG-MEGACC SYNDROME. Identifiers: Orphanet 83473, MedGen C1863924, MONDO:0019375.

Allele frequency attached by ClinVar (database versions not stated): gnomAD 0.00002 and 0.00003; gnomAD exomes 0.00003 and 0.00010; TOPMed 0.00008; ExAC 0.00025.
gnomAD v4.1: 17 of 1,468,182 alleles (0.0012%); highest among the groups gnomAD compares: Admixed American, 0.045%; no homozygotes.

Submissions (2):

ClinGen Brain Malformations Variant Curation Expert Panel
Classification: Likely benign for Overgrowth syndrome and/or cerebral malformations due to abnormalities in MTOR pathway genes. Last evaluated: 2022-02-11. Review status: reviewed by expert panel. Criteria: ClinGen BrainMalform ACMG Specifications v1. Collection method: curation. Allele origin: germline. Inheritance: Autosomal dominant inheritance.
Comment: The c.322+7A>G (NM_005027.4) variant in PIK3R2 is an intronic variant. The highest population minor allele frequency in gnomAD v2.1.1 is 0.0008153 in the Latino/Admixed American population, which is higher than the ClinGen BMEP threshold ([>0.00037]) for BS1, and therefore meets this criterion (BS1). The results from in silico splicing predictors MaxEntScan, spliceAI and varSEAK support that this variant does not affect splicing (BP4). This variant is a synonymous (silent) variant that occurs at a nucleotide that is not conserved according to a PhyloP <0.1 (BP7). In summary, this variant meets the criteria to be classified as Likely benign for mosaic autosomal dominant overgrowth with or without cerebral malformations due to abnormalities in MTOR-pathway genes based on the ACMG/AMP criteria applied, as specified by the ClinGen Brain Malformations Expert Panel: BS1, BP4, BP7; -6 points (VCEP specifications version 1; Approved: 1/31/2021)

Labcorp Genetics (formerly Invitae), Labcorp
Classification: Likely benign for Megalencephaly-polymicrogyria-postaxial polydactyly-hydrocephalus syndrome. Last evaluated: 2025-06-04. Review status: criteria provided, single submitter. Criteria: Invitae Variant Classification Sherloc (09022015). Collection method: clinical testing. Allele origin: germline. Not counted in ClinVar's aggregate classification.

NM_005027.4(PIK3R2):c.322+7A>G

Gene: PIK3R2 (phosphoinositide-3-kinase regulatory subunit 2; plus strand). Cytogenetic location: 19p13.11.
Variant type: single nucleotide variant.
Coding change: c.322+7A>G on transcript NM_005027.4 (MANE Select); 7 bases into the intron after coding-DNA position 322, A replaced by G.
Molecular consequence: intron variant.
Genome position (GRCh38, 1-based): chr19:18,156,208, A>G. VCF-style: chr19-18156208-A-G. GRCh37 (hg19) VCF-style: chr19-18267018-A-G.
Identifiers: ClinVar variation 767212 (VCV000767212.12), dbSNP rs774883359, ClinGen allele CA9306692.
Genomic context (GRCh38, chr19:18,156,208, plus strand): 5'-CACGGGGCCCCCGCCCACTGCCCGCCAGGCCCCGTGATGGGGCCCCTGAGCCAGGTGAGC[A>G]GCAAGCAGGGGCCCTGGAAAGGGGGGTGGTCCCCTCAGACCCTTGGTCTCCTCTTCTGTC-3'